The following is an entry in ClinVar:

ClinVar aggregate classification (germline): Benign/Likely benign. Review status: criteria provided, multiple submitters, no conflicts (2 of 4 stars). 2 submissions from 2 submitters: Benign (1); Likely benign (1). Last evaluated 2025-05-22.

Conditions:
Leukodystrophy, hypomyelinating, 7, with or without oligodontia and/or hypogonadotropic hypogonadism (HLD7). Also called: LEUKOENCEPHALOPATHY, HYPOMYELINATING, WITH ATAXIA AND DELAYED DENTITION; ATAXIA, DELAYED DENTITION, AND HYPOMYELINATION; LEUKODYSTROPHY, HYPOMYELINATING, 7, WITH OLIGODONTIA; LEUKODYSTROPHY, HYPOMYELINATING, 7, WITH OLIGODONTIA AND HYPOGONADOTROPIC HYPOGONADISM; LEUKODYSTROPHY, HYPOMYELINATING, 7, WITHOUT OLIGODONTIA OR HYPOGONADOTROPIC HYPOGONADISM; Ataxia, Delayed Dentition and Hypomyelination (ADDH). Identifiers: Orphanet 137639, Orphanet 447893, Orphanet 447896, Orphanet 77295, Orphanet 88637, MedGen CN034185, MONDO:0011897, OMIM 607694.

Allele frequency attached by ClinVar (database versions not stated): gnomAD exomes 0.00009 and 0.00045; gnomAD 0.00018 and 0.00021; TOPMed 0.00020; ExAC 0.00041; 1000 Genomes Project 30x 0.00047; 1000 Genomes Project 0.00060.
gnomAD v4.1: 157 of 1,583,692 alleles (0.0099%); highest among the groups gnomAD compares: East Asian, 0.34%; 2 homozygotes.

Submissions (2):

Labcorp Genetics (formerly Invitae), Labcorp
Classification: Benign. Last evaluated: 2025-05-22. Review status: criteria provided, single submitter. Criteria: Invitae Variant Classification Sherloc (09022015). Collection method: clinical testing. Allele origin: germline.

Illumina Laboratory Services, Illumina
Classification: Likely benign for Leukodystrophy, hypomyelinating, 7, with or without oligodontia and/or hypogonadotropic hypogonadism. Last evaluated: 2018-01-13. Review status: criteria provided, single submitter. Criteria: ICSL Variant Classification Criteria 13 December 2019. Collection method: clinical testing. Allele origin: germline.
Comment: This variant was observed in the ICSL laboratory as part of a predisposition screen in an ostensibly healthy population. It had not been previously curated by ICSL or reported in the Human Gene Mutation Database (HGMD: prior to June 1st, 2018), and was therefore a candidate for classification through an automated scoring system. Utilizing variant allele frequency, disease prevalence and penetrance estimates, and inheritance mode, an automated score was calculated to assess if this variant is too frequent to cause the disease. Based on the score and internal cut-off values, a variant classified as likely benign is not then subjected to further curation. The score for this variant resulted in a classification of likely benign for this disease.

NM_007055.4(POLR3A):c.2898G>A (p.Leu966=)

Gene: POLR3A (RNA polymerase III subunit A; minus strand). Cytogenetic location: 10q22.3.
Variant type: single nucleotide variant.
Coding change: c.2898G>A on transcript NM_007055.4 (MANE Select); coding-DNA position 2898, G replaced by A.
Protein change: p.Leu966=; no amino-acid change (leucine 966 retained).
Molecular consequence: synonymous variant.
Genome position (GRCh38, 1-based): chr10:77,991,057, C>T on the plus strand (G>A on the coding strand, the complement: POLR3A is on the minus strand). VCF-style: chr10-77991057-C-T. GRCh37 (hg19) VCF-style: chr10-79750815-C-T.
Identifiers: ClinVar variation 301052 (VCV000301052.12), dbSNP rs530909493, ClinGen allele CA5571003.